The following is an entry in ClinVar:

ClinVar aggregate classification (germline): Uncertain significance (1 of 4 stars; one submission).

gnomAD v4.1: 15 of 1,612,806 alleles (0.00093%); highest among the groups gnomAD compares: East Asian, 0.0022%; no homozygotes.

Submission:

Ambry Genetics
Classification: Uncertain significance. Last evaluated: 2025-11-07. Review status: criteria provided, single submitter. Criteria: Ambry Variant Classification Scheme 2023. Collection method: clinical testing. Allele origin: germline.
Comment: The c.923G>A (p.R308Q) alteration is located in exon 7 (coding exon 6) of the ATP10D gene. This alteration results from a G to A substitution at nucleotide position 923, causing the arginine (R) at amino acid position 308 to be replaced by a glutamine (Q). Based on data from gnomAD, the A allele has an overall frequency of 0.002% (6/282158) total alleles studied. The highest observed frequency was 0.005% (1/19930) of East Asian alleles. Based on insufficient or conflicting evidence, the clinical significance of this alteration remains unclear.

NM_020453.4(ATP10D):c.923G>A (p.Arg308Gln)

Gene: ATP10D (ATPase phospholipid transporting 10D (putative); plus strand). Cytogenetic location: 4p12.
Variant type: single nucleotide variant.
Coding change: c.923G>A on transcript NM_020453.4 (MANE Select); coding-DNA position 923, G replaced by A.
Protein change: p.Arg308Gln; replaces arginine 308 with glutamine.
Molecular consequence: missense variant.
Genome position (GRCh38, 1-based): chr4:47,535,941, G>A. VCF-style: chr4-47535941-G-A. GRCh37 (hg19) VCF-style: chr4-47537958-G-A.
Other names: short protein forms R308Q.
Identifiers: ClinVar variation 4644090 (VCV004644090.1).